The following is an entry in ClinVar:

ClinVar aggregate classification (germline): Uncertain significance (1 of 4 stars; one submission).

Conditions:
Fanconi anemia (FA). Also called: Fanconi's anemia. Identifiers: Orphanet 84, MedGen C0015625, MeSH D005199, MONDO:0019391.

Submission:

Labcorp Genetics (formerly Invitae), Labcorp
Classification: Uncertain significance for Fanconi anemia. Last evaluated: 2021-12-30. Review status: criteria provided, single submitter. Criteria: Invitae Variant Classification Sherloc (09022015). Collection method: clinical testing. Allele origin: germline.
Comment: This variant is not present in population databases (gnomAD no frequency). This sequence change replaces leucine, which is neutral and non-polar, with glutamine, which is neutral and polar, at codon 1948 of the FANCM protein (p.Leu1948Gln). In summary, the available evidence is currently insufficient to determine the role of this variant in disease. Therefore, it has been classified as a Variant of Uncertain Significance. Algorithms developed to predict the effect of missense changes on protein structure and function are either unavailable or do not agree on the potential impact of this missense change (SIFT: "Deleterious"; PolyPhen-2: "Probably Damaging"; Align-GVGD: "Class C0"). This variant has not been reported in the literature in individuals affected with FANCM-related conditions.

NM_020937.4(FANCM):c.5843T>A (p.Leu1948Gln)

Gene: FANCM (FA complementation group M; plus strand). Cytogenetic location: 14q21.2.
Variant type: single nucleotide variant.
Coding change: c.5843T>A on transcript NM_020937.4 (MANE Select); coding-DNA position 5843, T replaced by A.
Protein change: p.Leu1948Gln; replaces leucine 1948 with glutamine.
Molecular consequence: missense variant.
Genome position (GRCh38, 1-based): chr14:45,198,770, T>A. VCF-style: chr14-45198770-T-A. GRCh37 (hg19) VCF-style: chr14-45667973-T-A.
Other names: c.5765T>A, p.Leu1922Gln (NM_001308133.2); short protein forms L1922Q, L1948Q.
Identifiers: ClinVar variation 1916035 (VCV001916035.5), dbSNP rs1890209653, ClinGen allele CA389587025.